The following is an entry in ClinVar:

ClinVar aggregate classification (germline): Uncertain significance. Review status: criteria provided, multiple submitters, no conflicts (2 of 4 stars). 2 submissions from 2 submitters: Uncertain significance (2). Last evaluated 2025-10-13.

Conditions:
Inborn genetic diseases. Identifiers: MedGen C0950123, MeSH D030342.

Submissions (2):

Labcorp Genetics (formerly Invitae), Labcorp
Classification: Uncertain significance. Last evaluated: 2025-10-13. Review status: criteria provided, single submitter. Criteria: Invitae Variant Classification Sherloc (09022015). Collection method: clinical testing. Allele origin: germline.
Comment: This sequence change replaces lysine, which is basic and polar, with arginine, which is basic and polar, at codon 422 of the EFTUD2 protein (p.Lys422Arg). This variant is not present in population databases (gnomAD no frequency). This variant has not been reported in the literature in individuals affected with EFTUD2-related conditions. Invitae Evidence Modeling of protein sequence and biophysical properties (such as structural, functional, and spatial information, amino acid conservation, physicochemical variation, residue mobility, and thermodynamic stability) indicates that this missense variant is not expected to disrupt EFTUD2 protein function with a negative predictive value of 80%. In summary, the available evidence is currently insufficient to determine the role of this variant in disease. Therefore, it has been classified as a Variant of Uncertain Significance.

Ambry Genetics
Classification: Uncertain significance for Inborn genetic diseases. Last evaluated: 2025-08-14. Review status: criteria provided, single submitter. Criteria: Ambry Variant Classification Scheme 2023. Collection method: clinical testing. Allele origin: germline.

NM_004247.4(EFTUD2):c.1265A>G (p.Lys422Arg)

Gene: EFTUD2 (elongation factor Tu GTP binding domain containing 2; minus strand). Cytogenetic location: 17q21.31.
Variant type: single nucleotide variant.
Coding change: c.1265A>G on transcript NM_004247.4 (MANE Select); coding-DNA position 1265, A replaced by G.
Protein change: p.Lys422Arg; replaces lysine 422 with arginine.
Molecular consequence: missense variant.
Genome position (GRCh38, 1-based): chr17:44,864,950, T>C on the plus strand (A>G on the coding strand, the complement: EFTUD2 is on the minus strand). VCF-style: chr17-44864950-T-C. GRCh37 (hg19) VCF-style: chr17-42942318-T-C.
Other names: c.1160A>G, p.Lys387Arg (NM_001142605.2); c.1265A>G, p.Lys422Arg (NM_001258353.2); c.1235A>G, p.Lys412Arg (NM_001258354.2); short protein forms K387R, K412R, K422R.
Identifiers: ClinVar variation 4247177 (VCV004247177.2).
Genomic context (GRCh38, chr17:44,864,950, plus strand): 5'-CGAGGATGACAGAGTTAAGGGGCCACGAGCACATTATTACCTGTGAACTCGCCAAAGAAC[T>C]TTTTGCAGACCAGCCTGAGCAAGGGGCGGATGTTCAGCTTCAGCTCCTCCTTCGTCAGGT-3'
Protein context (NP_004238.3, residues 412-432): IRPLLRLVCK[Lys422Arg]FFGEFTGFVD